The following is an entry in ClinVar:

NM_002241.5(KCNJ10):c.613A>G (p.Lys205Glu)

Gene: KCNJ10 (potassium inwardly rectifying channel subfamily J member 10; minus strand). Cytogenetic location: 1q23.2.
Variant type: single nucleotide variant.
Coding change: c.613A>G on transcript NM_002241.5 (MANE Select); coding-DNA position 613, A replaced by G.
Protein change: p.Lys205Glu; replaces lysine 205 with glutamic acid.
Molecular consequence: missense variant.
Genome position (GRCh38, 1-based): chr1:160,041,920, T>C on the plus strand (A>G on the coding strand, the complement: KCNJ10 is on the minus strand). VCF-style: chr1-160041920-T-C. GRCh37 (hg19) VCF-style: chr1-160011710-T-C.
Other names: short protein forms K205E.
Identifiers: ClinVar variation 4993115 (VCV004993115.1).
Genomic context (GRCh38, chr1:160,041,920, plus strand): 5'-CCTTGGTTTGGTGGGTCTGAAGCAGTTTTCCTGTCACCTGGCAGCCAATGAGGAGGCTTT[T>C]GCGCATATTGGCAACTCGGATCATGAGGCAGGGCTTGCCATTGTGGGAGGCCACAACTGC-3'
Protein context (NP_002232.2, residues 195-215): CLMIRVANMR[Lys205Glu]SLLIGCQVTG

ClinVar aggregate classification (germline): Uncertain significance (1 of 4 stars; one submission).

Conditions:
KCNJ10-related disorder. Also called: KCNJ10-related condition; KCNJ10-related disorders. Identifiers: MedGen CN239321.

Submission:

PreventionGenetics, part of Exact Sciences
Classification: Uncertain significance for KCNJ10-related condition. Last evaluated: 2026-02-13. Review status: criteria provided, single submitter. Criteria: ACMG Guidelines, 2015. Collection method: clinical testing. Allele origin: germline.
Comment: The KCNJ10 c.613A>G variant is predicted to result in the amino acid substitution p.Lys205Glu. To our knowledge, this variant has not been reported in the literature or in a large population database (gnomAD), indicating this variant is rare. At this time, the clinical significance of this variant is uncertain due to the absence of conclusive functional and genetic evidence.